The following is an entry in ClinVar:

NM_014874.4(MFN2):c.607A>G (p.Ile203Val)

Gene: MFN2 (mitofusin 2; plus strand). Cytogenetic location: 1p36.22.
Variant type: single nucleotide variant.
Coding change: c.607A>G on transcript NM_014874.4 (MANE Select); coding-DNA position 607, A replaced by G.
Protein change: p.Ile203Val; replaces isoleucine 203 with valine.
Molecular consequence: missense variant.
Genome position (GRCh38, 1-based): chr1:11,998,777, A>G. VCF-style: chr1-11998777-A-G. GRCh37 (hg19) VCF-style: chr1-12058834-A-G.
Other names: c.607A>G, p.Ile203Val (NM_001127660.2); short protein forms I203V.
Identifiers: ClinVar variation 4739480 (VCV004739480.1).

ClinVar aggregate classification (germline): Uncertain significance (1 of 4 stars; one submission).

Conditions:
Charcot-Marie-Tooth disease type 2. Also called: Charcot-Marie-Tooth type 2. Identifiers: Orphanet 64746, MedGen C0270914, MONDO:0018993.

gnomAD v4.1: 10 of 1,614,082 alleles (0.00062%); highest among the groups gnomAD compares: East Asian, 0.0022%; no homozygotes.

Submission:

Labcorp Genetics (formerly Invitae), Labcorp
Classification: Uncertain significance for Charcot-Marie-Tooth disease type 2. Last evaluated: 2026-01-28. Review status: criteria provided, single submitter. Criteria: Invitae Variant Classification Sherloc (09022015). Collection method: clinical testing. Allele origin: germline.
Comment: This sequence change replaces isoleucine, which is neutral and non-polar, with valine, which is neutral and non-polar, at codon 203 of the MFN2 protein (p.Ile203Val). This variant is present in population databases (rs757817139, gnomAD 0.0009%). This variant has not been reported in the literature in individuals affected with MFN2-related conditions. Invitae Evidence Modeling of protein sequence and biophysical properties (such as structural, functional, and spatial information, amino acid conservation, physicochemical variation, residue mobility, and thermodynamic stability) has been performed for this missense variant. However, the output from this modeling did not meet the statistical confidence thresholds required to predict the impact of this variant on MFN2 protein function. In summary, the available evidence is currently insufficient to determine the role of this variant in disease. Therefore, it has been classified as a Variant of Uncertain Significance.